The following is an entry in ClinVar:

NM_000540.3(RYR1):c.12013-2A>G

Gene: RYR1 (ryanodine receptor 1; plus strand). Cytogenetic location: 19q13.2.
Variant type: single nucleotide variant.
Coding change: c.12013-2A>G on transcript NM_000540.3 (MANE Select); the canonical splice acceptor site of the intron before coding-DNA position 12013, A replaced by G.
Molecular consequence: splice acceptor variant.
Genome position (GRCh38, 1-based): chr19:38,546,443, A>G. VCF-style: chr19-38546443-A-G. GRCh37 (hg19) VCF-style: chr19-39037083-A-G.
Other names: c.11998-2A>G (NM_001042723.2).
Identifiers: ClinVar variation 2736884 (VCV002736884.3), dbSNP rs986265810, ClinGen allele CA308093914.

ClinVar aggregate classification (germline): Pathogenic (1 of 4 stars; one submission).

Conditions:
RYR1-related disorder. Also called: RYR1-related condition; RYR1-related disorders. Identifiers: MedGen CN239331.

Allele frequency attached by ClinVar (database versions not stated): gnomAD exomes below 0.00001.
gnomAD v4.1: 4 of 1,613,758 alleles (0.00025%); highest among the groups gnomAD compares: Non-Finnish European, 0.00034%; no homozygotes.

Submission:

Labcorp Genetics (formerly Invitae), Labcorp
Classification: Pathogenic for RYR1-related disorder. Last evaluated: 2023-04-28. Review status: criteria provided, single submitter. Criteria: Invitae Variant Classification Sherloc (09022015). Collection method: clinical testing. Allele origin: germline.
Comment: This sequence change affects an acceptor splice site in intron 87 of the RYR1 gene. It is expected to disrupt RNA splicing. Variants that disrupt the donor or acceptor splice site typically lead to a loss of protein function (PMID: 16199547), and loss-of-function variants in RYR1 are known to be pathogenic (PMID: 23919265, 25960145, 28818389, 30611313). This variant is not present in population databases (gnomAD no frequency). Disruption of this splice site has been observed in individual(s) with autosomal recessive RYR1-related conditions (PMID: 29096039). In at least one individual the data is consistent with being in trans (on the opposite chromosome) from a pathogenic variant. Algorithms developed to predict the effect of sequence changes on RNA splicing suggest that this variant may disrupt the consensus splice site. For these reasons, this variant has been classified as Pathogenic.

Literature cited by the submitters: PubMed 16199547; PubMed 23919265; PubMed 25960145; PubMed 28818389; PubMed 30611313; PubMed 29096039.